The following is an entry in ClinVar:

NM_014159.7(SETD2):c.1948A>G (p.Lys650Glu)

Gene: SETD2 (SET domain containing 2, histone lysine methyltransferase; minus strand). Cytogenetic location: 3p21.31.
Variant type: single nucleotide variant.
Coding change: c.1948A>G on transcript NM_014159.7 (MANE Select); coding-DNA position 1948, A replaced by G.
Protein change: p.Lys650Glu; replaces lysine 650 with glutamic acid.
Molecular consequence: missense variant. On other transcripts: non-coding transcript variant (1).
Genome position (GRCh38, 1-based): chr3:47,122,688, T>C on the plus strand (A>G on the coding strand, the complement: SETD2 is on the minus strand). VCF-style: chr3-47122688-T-C. GRCh37 (hg19) VCF-style: chr3-47164178-T-C.
Other names: c.1816A>G, p.Lys606Glu (NM_001349370.3); short protein forms K606E, K650E.
Identifiers: ClinVar variation 4071835 (VCV004071835.1).

ClinVar aggregate classification (germline): Uncertain significance (1 of 4 stars; one submission).

Submission:

GeneDx
Classification: Uncertain significance. Last evaluated: 2025-01-24. Review status: criteria provided, single submitter. Criteria: GeneDx Variant Classification Process June 2021. Collection method: clinical testing. Allele origin: germline. Affected: yes.
Comment: Not observed at significant frequency in large population cohorts (gnomAD); In silico analysis supports that this missense variant has a deleterious effect on protein structure/function; Has not been previously published as pathogenic or benign to our knowledge